The following is an entry in ClinVar:

NM_014049.5(ACAD9):c.422C>T (p.Thr141Ile)

Gene: ACAD9 (acyl-CoA dehydrogenase family member 9; plus strand). Cytogenetic location: 3q21.3.
Variant type: single nucleotide variant.
Coding change: c.422C>T on transcript NM_014049.5 (MANE Select); coding-DNA position 422, C replaced by T.
Protein change: p.Thr141Ile; replaces threonine 141 with isoleucine.
Molecular consequence: missense variant. On other transcripts: non-coding transcript variant (1).
Genome position (GRCh38, 1-based): chr3:128,895,385, C>T. VCF-style: chr3-128895385-C-T. GRCh37 (hg19) VCF-style: chr3-128614228-C-T.
Other names: short protein forms T141I.
Identifiers: ClinVar variation 559262 (VCV000559262.10), dbSNP rs539622467, ClinGen allele CA2601137.

ClinVar aggregate classification (germline): Uncertain significance. Review status: criteria provided, multiple submitters, no conflicts (2 of 4 stars). 4 submissions from 4 submitters: Uncertain significance (3). 1 of the submissions does not count toward it. Last evaluated 2025-05-14.

Conditions:
Inborn genetic diseases. Identifiers: MedGen C0950123, MeSH D030342.

Allele frequency attached by ClinVar (database versions not stated): ExAC 0.00007; gnomAD exomes 0.00007 and 0.00008; TOPMed 0.00007; gnomAD 0.00008 and 0.00009.
gnomAD v4.1: 129 of 1,611,896 alleles (0.008%); highest among the groups gnomAD compares: Non-Finnish European, 0.011%; no homozygotes.

Submissions (4):

Ambry Genetics
Classification: Uncertain significance for Inborn genetic diseases. Last evaluated: 2025-05-14. Review status: criteria provided, single submitter. Criteria: Ambry Variant Classification Scheme 2023. Collection method: clinical testing. Allele origin: germline.

Blueprint Genetics
Classification: Uncertain significance. Last evaluated: 2024-09-05. Review status: criteria provided, single submitter. Criteria: ACMG Guidelines, 2015. Collection method: clinical testing. Allele origin: germline.

GeneDx
Classification: Uncertain significance. Last evaluated: 2024-06-06. Review status: criteria provided, single submitter. Criteria: GeneDx Variant Classification Process June 2021. Collection method: clinical testing. Allele origin: germline. Affected: yes.
Comment: Not observed at significant frequency in large population cohorts (gnomAD); In silico analysis supports that this missense variant has a deleterious effect on protein structure/function; Has not been previously published as pathogenic or benign to our knowledge

Mayo Clinic Laboratories, Mayo Clinic
Classification: Uncertain significance. Last evaluated: 2016-02-24. Review status: no assertion criteria provided. Collection method: clinical testing. Allele origin: unknown. Not counted in ClinVar's aggregate classification.